The following is an entry in ClinVar:

ClinVar aggregate classification (germline): Uncertain significance (1 of 4 stars; one submission).

Allele frequency attached by ClinVar (database versions not stated): TOPMed 0.00001; ExAC 0.00001.

Submission:

Labcorp Genetics (formerly Invitae), Labcorp
Classification: Uncertain significance. Last evaluated: 2025-06-17. Review status: criteria provided, single submitter. Criteria: Invitae Variant Classification Sherloc (09022015). Collection method: clinical testing. Allele origin: germline.
Comment: This sequence change replaces alanine, which is neutral and non-polar, with serine, which is neutral and polar, at codon 423 of the ZNF687 protein (p.Ala423Ser). This variant is present in population databases (rs779625308, gnomAD 0.007%). This variant has not been reported in the literature in individuals affected with ZNF687-related conditions. ClinVar contains an entry for this variant (Variation ID: 3023163). An algorithm developed to predict the effect of missense changes on protein structure and function (PolyPhen-2) suggests that this variant is likely to be tolerated. In summary, the available evidence is currently insufficient to determine the role of this variant in disease. Therefore, it has been classified as a Variant of Uncertain Significance.

NM_020832.3(ZNF687):c.1267G>T (p.Ala423Ser)

Gene: ZNF687 (zinc finger protein 687; plus strand). Cytogenetic location: 1q21.3.
Variant type: single nucleotide variant.
Coding change: c.1267G>T on transcript NM_020832.3 (MANE Select); coding-DNA position 1267, G replaced by T.
Protein change: p.Ala423Ser; replaces alanine 423 with serine.
Molecular consequence: missense variant.
Genome position (GRCh38, 1-based): chr1:151,287,558, G>T. VCF-style: chr1-151287558-G-T. GRCh37 (hg19) VCF-style: chr1-151260034-G-T.
Other names: c.1267G>T, p.Ala423Ser (NM_001304763.2, NM_001304764.2); short protein forms A423S.
Identifiers: ClinVar variation 3023163 (VCV003023163.3), dbSNP rs779625308, ClinGen allele CA1088303.